The following is an entry in ClinVar:

NM_000165.5(GJA1):c.821C>A (p.Pro274Gln)

Gene: GJA1 (gap junction protein alpha 1; plus strand). Cytogenetic location: 6q22.31.
Variant type: single nucleotide variant.
Coding change: c.821C>A on transcript NM_000165.5 (MANE Select); coding-DNA position 821, C replaced by A.
Protein change: p.Pro274Gln; replaces proline 274 with glutamine.
Molecular consequence: missense variant.
Genome position (GRCh38, 1-based): chr6:121,447,668, C>A. VCF-style: chr6-121447668-C-A. GRCh37 (hg19) VCF-style: chr6-121768814-C-A.
Other names: short protein forms P274Q.
Identifiers: ClinVar variation 4975280 (VCV004975280.1).

ClinVar aggregate classification (germline): Uncertain significance (1 of 4 stars; one submission).

Submission:

GeneDx
Classification: Uncertain significance. Last evaluated: 2026-01-22. Review status: criteria provided, single submitter. Criteria: GeneDx Variant Classification Process June 2021. Collection method: clinical testing. Allele origin: germline.
Comment: Not observed at significant frequency in large population cohorts (gnomAD); In silico analysis suggests that this missense variant does not alter protein structure/function; Has not been previously published as pathogenic or benign to our knowledge